The following is an entry in ClinVar:

ClinVar aggregate classification (germline): Uncertain significance. Review status: criteria provided, multiple submitters, no conflicts (2 of 4 stars). 5 submissions from 5 submitters: Uncertain significance (5). Last evaluated 2024-12-02.

Conditions:
Developmental and epileptic encephalopathy, 42 (DEE42A). Also called: Epileptic encephalopathy, early infantile, 42; DEVELOPMENTAL AND EPILEPTIC ENCEPHALOPATHY 42A; EPILEPTIC ENCEPHALOPATHY, EARLY INFANTILE, 42A. Identifiers: MedGen C4310716, MONDO:0014917, OMIM 617106.
Episodic ataxia type 2 (EA2). Also called: ATAXIA, EPISODIC, WITH NYSTAGMUS; ATAXIA, FAMILIAL PAROXYSMAL; CEREBELLAR ATAXIA, PAROXYSMAL, ACETAZOLAMIDE-RESPONSIVE; CEREBELLOPATHY, HEREDITARY PAROXYSMAL; EPISODIC ATAXIA, NYSTAGMUS-ASSOCIATED; ACETAZOLAMIDE-RESPONSIVE HEREDITARY PAROXYSMAL CEREBELLAR ATAXIA. Identifiers: Orphanet 97, MedGen C1720416, MONDO:0007163, OMIM 108500.

Allele frequency attached by ClinVar (database versions not stated): ExAC 0.00001; gnomAD 0.00001; TOPMed 0.00001.
gnomAD v4.1: 20 of 1,613,382 alleles (0.0012%); highest among the groups gnomAD compares: Middle Eastern, 0.016%; no homozygotes.

Submissions (5):

Women's Health and Genetics/Laboratory Corporation of America, LabCorp
Classification: Uncertain significance. Last evaluated: 2024-12-02. Review status: criteria provided, single submitter. Criteria: LabCorp Variant Classification Summary - May 2015. Collection method: clinical testing. Allele origin: germline.
Comment: Variant summary: CACNA1A c.4789G>A (p.Ala1597Thr) results in a non-conservative amino acid change located in the Ion transport protein domain (IPR005821) of the encoded protein sequence. Three of five in-silico tools predict a benign effect of the variant on protein function. The variant allele was found at a frequency of 1.2e-05 in 249092 control chromosomes. The available data on variant occurrences in the general population are insufficient to allow any conclusion about variant significance. To our knowledge, no occurrence of c.4789G>A in individuals affected with Epileptic Encephalopathy, Early Infantile, 42 and no experimental evidence demonstrating its impact on protein function have been reported. ClinVar contains an entry for this variant (Variation ID: 837454). Based on the evidence outlined above, the variant was classified as uncertain significance.

Labcorp Genetics (formerly Invitae), Labcorp
Classification: Uncertain significance for Developmental and epileptic encephalopathy, 42; Episodic ataxia type 2. Last evaluated: 2024-05-04. Review status: criteria provided, single submitter. Criteria: Invitae Variant Classification Sherloc (09022015). Collection method: clinical testing. Allele origin: germline.
Comment: This sequence change replaces alanine, which is neutral and non-polar, with threonine, which is neutral and polar, at codon 1597 of the CACNA1A protein (p.Ala1597Thr). This variant is present in population databases (rs769043258, gnomAD 0.004%). This variant has not been reported in the literature in individuals affected with CACNA1A-related conditions. ClinVar contains an entry for this variant (Variation ID: 837454). Advanced modeling of protein sequence and biophysical properties (such as structural, functional, and spatial information, amino acid conservation, physicochemical variation, residue mobility, and thermodynamic stability) performed at Invitae indicates that this missense variant is not expected to disrupt CACNA1A protein function with a negative predictive value of 95%. In summary, the available evidence is currently insufficient to determine the role of this variant in disease. Therefore, it has been classified as a Variant of Uncertain Significance.

CeGaT Center for Human Genetics Tuebingen
Classification: Uncertain significance. Last evaluated: 2022-01-01. Review status: criteria provided, single submitter. Criteria: CeGaT Center For Human Genetics Tuebingen Variant Classification Criteria Version 2. Collection method: clinical testing. Allele origin: germline. Affected: yes. Observed: 1 variant allele.

Athena Diagnostics
Classification: Uncertain significance. Last evaluated: 2021-08-23. Review status: criteria provided, single submitter. Criteria: Athena Diagnostics Criteria. Collection method: clinical testing. Allele origin: unknown.

GeneDx
Classification: Uncertain significance. Last evaluated: 2020-02-03. Review status: criteria provided, single submitter. Criteria: GeneDx Variant Classification Process June 2021. Collection method: clinical testing. Allele origin: germline. Affected: yes.
Comment: Not observed at a significant frequency in large population cohorts (Lek et al., 2016); In silico analysis, which includes protein predictors and evolutionary conservation, supports that this variant does not alter protein structure/function; Has not been previously published as pathogenic or benign to our knowledge

NM_001127222.2(CACNA1A):c.4786G>A (p.Ala1596Thr)

Gene: CACNA1A (calcium voltage-gated channel subunit alpha1 A; minus strand). Cytogenetic location: 19p13.13.
Variant type: single nucleotide variant.
Coding change: c.4786G>A on transcript NM_001127222.2 (MANE Select); coding-DNA position 4786, G replaced by A.
Protein change: p.Ala1596Thr; replaces alanine 1596 with threonine.
Molecular consequence: missense variant.
Genome position (GRCh38, 1-based): chr19:13,253,071, C>T on the plus strand (G>A on the coding strand, the complement: CACNA1A is on the minus strand). VCF-style: chr19-13253071-C-T. GRCh37 (hg19) VCF-style: chr19-13363885-C-T.
Other names: c.4798G>A, p.Ala1600Thr (NM_000068.4, NM_023035.3); c.4789G>A, p.Ala1597Thr (NM_001127221.2, NM_001174080.2); short protein forms A1597T, A1600T, A1596T.
Identifiers: ClinVar variation 837454 (VCV000837454.45), dbSNP rs769043258, ClinGen allele CA9239931.